The following is an entry in ClinVar:

ClinVar aggregate classification (germline): Uncertain significance (1 of 4 stars; one submission).

Submission:

Labcorp Genetics (formerly Invitae), Labcorp
Classification: Uncertain significance. Last evaluated: 2024-07-06. Review status: criteria provided, single submitter. Criteria: Invitae Variant Classification Sherloc (09022015). Collection method: clinical testing. Allele origin: germline.
Comment: This sequence change replaces tyrosine, which is neutral and polar, with cysteine, which is neutral and slightly polar, at codon 424 of the PPP2R5D protein (p.Tyr424Cys). This variant is present in population databases (no rsID available, gnomAD 0.0009%). This variant has not been reported in the literature in individuals affected with PPP2R5D-related conditions. ClinVar contains an entry for this variant (Variation ID: 2114271). An algorithm developed to predict the effect of missense changes on protein structure and function (PolyPhen-2) suggests that this variant is likely to be disruptive. In summary, the available evidence is currently insufficient to determine the role of this variant in disease. Therefore, it has been classified as a Variant of Uncertain Significance.

NM_006245.4(PPP2R5D):c.1271A>G (p.Tyr424Cys)

Gene: PPP2R5D (protein phosphatase 2 regulatory subunit B'delta; plus strand). Cytogenetic location: 6p21.1.
Variant type: single nucleotide variant.
Coding change: c.1271A>G on transcript NM_006245.4 (MANE Select); coding-DNA position 1271, A replaced by G.
Protein change: p.Tyr424Cys; replaces tyrosine 424 with cysteine.
Molecular consequence: missense variant.
Genome position (GRCh38, 1-based): chr6:43,009,341, A>G. VCF-style: chr6-43009341-A-G. GRCh37 (hg19) VCF-style: chr6-42977079-A-G.
Other names: c.818A>G, p.Tyr273Cys (NM_001270476.2); c.1175A>G, p.Tyr392Cys (NM_180976.3); c.953A>G, p.Tyr318Cys (NM_180977.3); short protein forms Y273C, Y318C, Y424C, Y392C.
Identifiers: ClinVar variation 2114271 (VCV002114271.4), dbSNP rs1301440108, ClinGen allele CA364194350.